The following is an entry in ClinVar:

ClinVar aggregate classification (germline): Pathogenic (1 of 4 stars; one submission).

Submission:

Labcorp Genetics (formerly Invitae), Labcorp
Classification: Pathogenic. Last evaluated: 2023-07-12. Review status: criteria provided, single submitter. Criteria: Invitae Variant Classification Sherloc (09022015). Collection method: clinical testing. Allele origin: germline.
Comment: This sequence change creates a premature translational stop signal (p.Gln401*) in the POLE gene. It is expected to result in an absent or disrupted protein product. Loss-of-function variants in POLE are known to be pathogenic (PMID: 23230001, 25948378, 30503519). This variant is not present in population databases (gnomAD no frequency). This variant has not been reported in the literature in individuals affected with POLE-related conditions. For these reasons, this variant has been classified as Pathogenic.

Literature cited by the submitters: PubMed 23230001; PubMed 25948378; PubMed 30503519.

NM_006231.4(POLE):c.1201C>T (p.Gln401Ter)

Gene: POLE (DNA polymerase epsilon, catalytic subunit; minus strand). Cytogenetic location: 12q24.33.
Variant type: single nucleotide variant.
Coding change: c.1201C>T on transcript NM_006231.4 (MANE Select); coding-DNA position 1201, C replaced by T.
Protein change: p.Gln401Ter; replaces glutamine 401 with a stop codon.
Molecular consequence: nonsense.
Genome position (GRCh38, 1-based): chr12:132,675,423, G>A on the plus strand (C>T on the coding strand, the complement: POLE is on the minus strand). VCF-style: chr12-132675423-G-A. GRCh37 (hg19) VCF-style: chr12-133252009-G-A.
Other names: short protein forms Q401*.
Identifiers: ClinVar variation 2867538 (VCV002867538.3), dbSNP rs2542157770, ClinGen allele CA387360782.